The following is an entry in ClinVar:

NM_005751.5(AKAP9):c.10661T>G (p.Ile3554Ser)

Gene: AKAP9 (A-kinase anchoring protein 9; plus strand). Cytogenetic location: 7q21.2.
Variant type: single nucleotide variant.
Coding change: c.10661T>G on transcript NM_005751.5 (MANE Select); coding-DNA position 10661, T replaced by G.
Protein change: p.Ile3554Ser; replaces isoleucine 3554 with serine.
Molecular consequence: missense variant.
Genome position (GRCh38, 1-based): chr7:92,098,162, T>G. VCF-style: chr7-92098162-T-G. GRCh37 (hg19) VCF-style: chr7-91727476-T-G.
Other names: c.5306T>G, p.Ile1769Ser (NM_001379277.1); c.10637T>G, p.Ile3546Ser (NM_147185.3); short protein forms I1769S, I3554S, I3546S.
Identifiers: ClinVar variation 3281838 (VCV003281838.1).

ClinVar aggregate classification (germline): Uncertain significance (1 of 4 stars; one submission).

Conditions:
Cardiovascular phenotype. Identifiers: MedGen CN230736.

Submission:

Ambry Genetics
Classification: Uncertain significance for Cardiovascular phenotype. Last evaluated: 2024-04-14. Review status: criteria provided, single submitter. Criteria: Ambry Variant Classification Scheme 2023. Collection method: clinical testing. Allele origin: germline.
Comment: The p.I3554S variant (also known as c.10661T>G), located in coding exon 43 of the AKAP9 gene, results from a T to G substitution at nucleotide position 10661. The isoleucine at codon 3554 is replaced by serine, an amino acid with dissimilar properties. This amino acid position is conserved. In addition, this alteration is predicted to be tolerated by in silico analysis. Based on the available evidence, the clinical significance of this variant remains unclear.